The following is an entry in ClinVar:

ClinVar aggregate classification (germline): Uncertain significance (0 of 4 stars; one submission).

Conditions:
TRIP12-related disorder. Also called: TRIP12-related condition.

Allele frequency attached by ClinVar (database versions not stated): gnomAD exomes 0.00001.
gnomAD v4.1: 21 of 1,614,190 alleles (0.0013%); highest among the groups gnomAD compares: Non-Finnish European, 0.0018%; no homozygotes.

Submission:

PreventionGenetics, part of Exact Sciences
Classification: Uncertain significance for TRIP12-related condition. Last evaluated: 2024-02-23. Review status: no assertion criteria provided. Collection method: clinical testing. Allele origin: germline.
Comment: The TRIP12 c.761C>A variant is predicted to result in the amino acid substitution p.Ala254Asp. To our knowledge, this variant has not been reported in the literature or in a large population database, indicating this variant is rare. At this time, the clinical significance of this variant is uncertain due to the absence of conclusive functional and genetic evidence.

NM_001348323.3(TRIP12):c.761C>A (p.Ala254Asp)

Gene: TRIP12 (thyroid hormone receptor interactor 12; minus strand). Cytogenetic location: 2q36.3.
Variant type: single nucleotide variant.
Coding change: c.761C>A on transcript NM_001348323.3 (MANE Select); coding-DNA position 761, C replaced by A.
Protein change: p.Ala254Asp; replaces alanine 254 with aspartic acid.
Molecular consequence: missense variant. On other transcripts: intron variant (1).
Genome position (GRCh38, 1-based): chr2:229,859,038, G>T on the plus strand (C>A on the coding strand, the complement: TRIP12 is on the minus strand). VCF-style: chr2-229859038-G-T. GRCh37 (hg19) VCF-style: chr2-230723754-G-T.
Other names: c.761C>A, p.Ala254Asp (NM_001284214.2, NM_001348315.2, NM_001348319.1 and 15 more transcripts); c.635C>A, p.Ala212Asp (NM_001284215.2, NM_001348316.2, NM_001348317.1 and 3 more transcripts); c.98+20944C>A (NM_001284216.2); short protein forms A212D, A254D.
Identifiers: ClinVar variation 3052869 (VCV003052869.2), dbSNP rs2475926463, ClinGen allele CA350895847.